The following is an entry in ClinVar:

ClinVar aggregate classification (germline): Uncertain significance (1 of 4 stars; one submission).

Conditions:
Primary ciliary dyskinesia. Also called: Ciliary dyskinesia. Identifiers: Orphanet 244, MedGen C0008780, MONDO:0016575, HP:0012265.

Allele frequency attached by ClinVar (database versions not stated): gnomAD exomes below 0.00001 and 0.00001; TOPMed below 0.00001; ExAC 0.00001; gnomAD 0.00001.
gnomAD v4.1: 9 of 1,613,296 alleles (0.00056%); highest among the groups gnomAD compares: Non-Finnish European, 0.00076%; no homozygotes.

Submission:

Labcorp Genetics (formerly Invitae), Labcorp
Classification: Uncertain significance for Primary ciliary dyskinesia. Last evaluated: 2021-08-12. Review status: criteria provided, single submitter. Criteria: Invitae Variant Classification Sherloc (09022015). Collection method: clinical testing. Allele origin: germline.
Comment: This sequence change replaces valine with methionine at codon 2279 of the DNAH11 protein (p.Val2279Met). The valine residue is highly conserved and there is a small physicochemical difference between valine and methionine. This variant is present in population databases (rs766652102, ExAC 0.002%). This missense change has been observed in individual(s) with clinical features of DNAH11-related conditions (Invitae). Algorithms developed to predict the effect of missense changes on protein structure and function are either unavailable or do not agree on the potential impact of this missense change (SIFT: "Deleterious"; PolyPhen-2: "Possibly Damaging"; Align-GVGD: "Class C0"). In summary, the available evidence is currently insufficient to determine the role of this variant in disease. Therefore, it has been classified as a Variant of Uncertain Significance.

NM_001277115.2(DNAH11):c.6835G>A (p.Val2279Met)

Gene: DNAH11 (dynein axonemal heavy chain 11; plus strand). Cytogenetic location: 7p15.3.
Variant type: single nucleotide variant.
Coding change: c.6835G>A on transcript NM_001277115.2 (MANE Select); coding-DNA position 6835, G replaced by A.
Protein change: p.Val2279Met; replaces valine 2279 with methionine.
Molecular consequence: missense variant.
Genome position (GRCh38, 1-based): chr7:21,711,712, G>A. VCF-style: chr7-21711712-G-A. GRCh37 (hg19) VCF-style: chr7-21751330-G-A.
Other names: short protein forms V2279M.
Identifiers: ClinVar variation 654633 (VCV000654633.6), dbSNP rs766652102, ClinGen allele CA4181019.